The following is an entry in ClinVar:

ClinVar aggregate classification (germline): Pathogenic/Likely pathogenic. Review status: criteria provided, multiple submitters, no conflicts (2 of 4 stars). 5 submissions from 5 submitters: Pathogenic (2); Likely pathogenic (3). Last evaluated 2026-02-09.

Conditions:
Cardiovascular phenotype. Identifiers: MedGen CN230736.
Autosomal recessive limb-girdle muscular dystrophy type 2J (LGMDR10). Also called: Limb-girdle muscular dystrophy, type 2J; MUSCULAR DYSTROPHY, LIMB-GIRDLE, AUTOSOMAL RECESSIVE 10. Identifiers: Orphanet 140922, MedGen C1837342, MONDO:0012127, OMIM 608807.
Dilated cardiomyopathy 1G (CMD1G). Identifiers: Orphanet 154, MedGen C1858763, MONDO:0011400, OMIM 604145.
Myopathy, myofibrillar, 9, with early respiratory failure (MFM9). Also called: Hereditary myopathy with early respiratory failure; Myopathy, distal, with early respiratory failure, autosomal dominant; EDSTROM MYOPATHY; MYOPATHY, PROXIMAL, WITH EARLY RESPIRATORY MUSCLE INVOLVEMENT. Identifiers: Orphanet 178464, Orphanet 34521, MedGen C1863599, MONDO:0011362, OMIM 603689.
Tibial muscular dystrophy (TMD). Also called: Tibial muscular dystrophy, tardive; Udd Distal Myopathy – Tibial Muscular Dystrophy; UDD MYOPATHY. Identifiers: Orphanet 609, MedGen C1838244, MONDO:0010870, OMIM 600334.
Hypertrophic cardiomyopathy 9. Also called: Familial hypertrophic cardiomyopathy 9. Identifiers: MedGen C1861065, MONDO:0013412, OMIM 613765.
Early-onset myopathy with fatal cardiomyopathy (CMYO5). Also called: CONGENITAL MYOPATHY 5 WITH CARDIOMYOPATHY; Salih Myopathy. Identifiers: Orphanet 289377, MedGen C2673677, MONDO:0012714, OMIM 611705. Disease mechanism: loss of function.

Allele frequency attached by ClinVar (database versions not stated): gnomAD exomes below 0.00001; gnomAD 0.00001.
gnomAD v4.1: 3 of 1,612,860 alleles (0.00019%); highest among the groups gnomAD compares: Non-Finnish European, 0.00025%; no homozygotes.

Submissions (5):

Ambry Genetics
Classification: Pathogenic for Cardiovascular phenotype. Last evaluated: 2026-02-09. Review status: criteria provided, single submitter. Criteria: Ambry Variant Classification Scheme 2023. Collection method: clinical testing. Allele origin: germline.
Comment: The p.R9871* variant (also known as c.29611C>T), located in coding exon 118 of the TTN gene, results from a C to T substitution at nucleotide position 29611. This changes the amino acid from an arginine to a stop codon within coding exon 118. This exon is located in the A-band region of the N2-B isoform of the titin protein and is constitutively expressed in TTN transcripts (percent spliced in or PSI 100%). This variant was reported in individual(s) with dilated cardiomyopathy (Herman DS et al. N Engl J Med, 2012 Feb;366:619-28; external communication). Note, this variant is also referred to as p.R17295* in the literature. This variant is considered to be rare based on population cohorts in the Genome Aggregation Database (gnomAD). This variant is expected to result in loss of function by premature protein truncation or nonsense-mediated mRNA decay. While truncating variants in TTN are present in 1-3% of the general population, truncating variants in the A-band are the most common cause of dilated cardiomyopathy (Herman DS et al. N. Engl. J. Med., 2012 Feb;366:619-28; Roberts AM et al. Sci Transl Med, 2015 Jan;7:270ra6). TTN truncating variants encoded in constitutive exons (PSI >90%) have been found to be significantly associated with DCM regardless of their position in titin (Schafer S et al. Nat. Genet., 2017 01;49:46-53; Akhtar MM et al. Circ Heart Fail, 2020 Oct;13:e006832; Massier M et al. Clin Genet, 2025 Jan). Based on the supporting evidence, this variant is interpreted as a disease-causing mutation.

Labcorp Genetics (formerly Invitae), Labcorp
Classification: Pathogenic for Dilated cardiomyopathy 1G; Autosomal recessive limb-girdle muscular dystrophy type 2J. Last evaluated: 2025-10-08. Review status: criteria provided, single submitter. Criteria: Invitae Variant Classification Sherloc (09022015). Collection method: clinical testing. Allele origin: germline.
Comment: This sequence change creates a premature translational stop signal (p.Arg18936*) in the TTN gene. While this is not anticipated to result in nonsense mediated decay, it is expected to create a truncated TTN protein. This variant is present in population databases (rs72646828, gnomAD 0.0009%). This premature translational stop signal has been observed in individuals with dilated cardiomyopathy and left ventricular non-compaction cardiomyopathy (PMID: 22335739, 29029073; internal data). This variant is also known as c.51883G>A p.Arg17295X. ClinVar contains an entry for this variant (Variation ID: 381589). This variant is located in the A band of TTN (PMID: 25589632). Truncating variants in this region are significantly overrepresented in patients affected with dilated cardiomyopathy (PMID: 25589632). Truncating variants in this region have also been reported in individuals affected with autosomal recessive centronuclear myopathy (PMID: 23975875). For these reasons, this variant has been classified as Pathogenic.

GeneDx
Classification: Likely pathogenic. Last evaluated: 2024-04-11. Review status: criteria provided, single submitter. Criteria: GeneDx Variant Classification Process June 2021. Collection method: clinical testing. Allele origin: germline. Affected: yes.
Comment: Not observed at significant frequency in large population cohorts (gnomAD); Located in the A-band region of TTN in which the majority of loss of function variants have been associated with autosomal dominant titinopathies (PMID: 22335739); Nonsense variant predicted to result in protein truncation or nonsense mediated decay in a gene for which loss of function is a known mechanism of disease; This variant is associated with the following publications: (PMID: 24980681, 22335739, 24119082, 32778822, 31514951, 29029073, 36396199, 30333491)

Eurofins Ntd Llc (ga)
Classification: Likely pathogenic. Last evaluated: 2017-11-09. Review status: criteria provided, single submitter. Criteria: EGL Classification Definitions 2015. Collection method: clinical testing. Allele origin: germline. Observed: 1 variant allele, 1 heterozygote.

Juno Genomics, Hangzhou Juno Genomics, Inc
Classification: Likely pathogenic for Early-onset myopathy with fatal cardiomyopathy; Dilated cardiomyopathy 1G; Hypertrophic cardiomyopathy 9; Autosomal recessive limb-girdle muscular dystrophy type 2J; Myopathy, myofibrillar, 9, with early respiratory failure; Tibial muscular dystrophy. Review status: criteria provided, single submitter. Criteria: ACMG Guidelines, 2015. Collection method: clinical testing. Allele origin: germline.
Comment: Absent from controls (or at extremely low frequency if recessive) in Genome Aggregation Database.;Null variant in a gene where loss of function (LOF) is a known mechanism of disease.

Literature cited by the submitters: PubMed 22335739 (cited by Ambry Genetics and Labcorp Genetics (formerly Invitae), Labcorp); PubMed 29029073 (cited by Labcorp Genetics (formerly Invitae), Labcorp); PubMed 25589632 (cited by Labcorp Genetics (formerly Invitae), Labcorp); PubMed 23975875 (cited by Labcorp Genetics (formerly Invitae), Labcorp).

NM_001267550.2(TTN):c.56806C>T (p.Arg18936Ter)

Genes: TTN (titin; minus strand), TTN-AS1 (TTN antisense RNA 1; plus strand). Cytogenetic location: 2q31.2.
Variant type: single nucleotide variant.
Coding change: c.56806C>T on transcript NM_001267550.2 (MANE Select); coding-DNA position 56806, C replaced by T.
Protein change: p.Arg18936Ter; replaces arginine 18936 with a stop codon.
Molecular consequence: nonsense.
Genome position (GRCh38, 1-based): chr2:178,598,904, G>A on the plus strand (C>T on the coding strand, the complement: TTN is on the minus strand). VCF-style: chr2-178598904-G-A. GRCh37 (hg19) VCF-style: chr2-179463631-G-A.
Other names: c.51883C>T, p.Arg17295Ter (NM_001256850.1); c.29611C>T, p.Arg9871Ter (NM_003319.4); c.49102C>T, p.Arg16368Ter (NM_133378.4); c.29986C>T, p.Arg9996Ter (NM_133432.3); c.30187C>T, p.Arg10063Ter (NM_133437.4); c.56806C>T (NM_001267550.1); short protein forms R17295*, R18936*, R16368*, R10063*, R9871*, R9996*.
Identifiers: ClinVar variation 381589 (VCV000381589.20), dbSNP rs72646828, ClinGen allele CA16604009.